The following is an entry in ClinVar:

NM_000368.5(TSC1):c.2392-15C>T

Gene: TSC1 (TSC complex subunit 1; minus strand). Cytogenetic location: 9q34.13.
Variant type: single nucleotide variant.
Coding change: c.2392-15C>T on transcript NM_000368.5 (MANE Select); 15 bases into the intron before coding-DNA position 2392, C replaced by T.
Molecular consequence: intron variant.
Genome position (GRCh38, 1-based): chr9:132,901,714, G>A on the plus strand (C>T on the coding strand, the complement: TSC1 is on the minus strand). VCF-style: chr9-132901714-G-A. GRCh37 (hg19) VCF-style: chr9-135777101-G-A.
Other names: c.2029-15C>T (NM_001362177.2); c.2239-15C>T (NM_001162427.2); c.2389-15C>T (NM_001162426.2).
Identifiers: ClinVar variation 2169480 (VCV002169480.5), dbSNP rs748281997, ClinGen allele CA032418.

ClinVar aggregate classification (germline): Likely benign. Review status: criteria provided, multiple submitters, no conflicts (2 of 4 stars). 3 submissions from 3 submitters: Likely benign (3). Last evaluated 2025-12-21.

Conditions:
Tuberous sclerosis syndrome (TSC). Also called: Tuberous sclerosis; Tuberous Sclerosis Complex. Identifiers: Orphanet 805, MedGen C0041341, MONDO:0001734.
Tuberous sclerosis 1 (TSC1). Identifiers: Orphanet 805, MedGen C1854465, MONDO:0008612, OMIM 191100.

Allele frequency attached by ClinVar (database versions not stated): ExAC 0.00001; gnomAD 0.00001; gnomAD exomes 0.00001; TOPMed 0.00002.
gnomAD v4.1: 13 of 1,612,756 alleles (0.00081%); highest among the groups gnomAD compares: East Asian, 0.0045%; no homozygotes.

Submissions (3):

Labcorp Genetics (formerly Invitae), Labcorp
Classification: Likely benign for Tuberous sclerosis 1. Last evaluated: 2025-12-21. Review status: criteria provided, single submitter. Criteria: Invitae Variant Classification Sherloc (09022015). Collection method: clinical testing. Allele origin: germline.

Myriad Genetics, Inc.
Classification: Likely benign for Tuberous sclerosis 1. Last evaluated: 2025-04-25. Review status: criteria provided, single submitter. Criteria: Myriad Autosomal Dominant, Autosomal Recessive and X-Linked Classification Criteria (2023). Collection method: clinical testing. Allele origin: unknown.
Comment: This variant is considered likely benign. This variant is intronic and is not expected to impact mRNA splicing.

Color Diagnostics, LLC DBA Color Health
Classification: Likely benign for Tuberous sclerosis syndrome. Last evaluated: 2022-11-15. Review status: criteria provided, single submitter. Criteria: ACMG Guidelines, 2015. Collection method: clinical testing. Allele origin: germline.